The following is an entry in ClinVar:

NM_005050.4(ABCD4):c.1667_1668del (p.Glu556fs)

Gene: ABCD4 (ATP binding cassette subfamily D member 4; minus strand). Cytogenetic location: 14q24.3.
Variant type: Microsatellite.
Coding change: c.1667_1668del on transcript NM_005050.4 (MANE Select); coding-DNA positions 1667 to 1668, 2 bases deleted (AG; older notation c.1667_1668delAG).
Protein change: p.Glu556fs; shifts the reading frame from glutamic acid 556.
Molecular consequence: frameshift variant. On other transcripts: 3 prime UTR variant (1), non-coding transcript variant (10).
Genome position (GRCh38, 1-based): chr14:74,286,785-74,286,786, CT deleted on the plus strand (AG on the coding strand, the reverse complement: ABCD4 is on the minus strand); deleting any 2 consecutive bases within chr14:74,286,785-74,286,788 gives the same sequence; the c. name uses the placement nearest the transcript's 3' end. VCF-style (leftmost placement, unchanged base first): chr14-74286784-CCT-C. GRCh37 (hg19) VCF-style: chr14-74753487-CCT-C.
Other names: c.1541_1542del, p.Glu514fs (NM_001353591.2, NM_001353592.2); c.1406_1407del, p.Glu469fs (NM_001353593.2); c.1355_1356del, p.Glu452fs (NM_001353594.2); c.1253_1254del, p.Glu418fs (NM_001353595.2, NM_001353596.2); c.1202_1203del, p.Glu401fs (NM_001353597.2); c.1190_1191del, p.Glu397fs (NM_001353598.2, NM_001353599.2, NM_001353600.2 and 2 more transcripts); c.878_879del, p.Glu293fs (NM_001353602.2, NM_001353603.2, NM_001353604.2 and 5 more transcripts); c.*2AG[1] (NM_001353610.2); and 2 more; short protein forms E556fs, E293fs, E469fs, E401fs, E418fs, E397fs, E452fs, E514fs.
Identifiers: ClinVar variation 2137605 (VCV002137605.3), dbSNP rs763777109, ClinGen allele CA7266633.

ClinVar aggregate classification (germline): Conflicting classifications of pathogenicity. Review status: criteria provided, conflicting classifications (1 of 4 stars). 2 submissions from 2 submitters: Pathogenic (1); Uncertain significance (1). Last evaluated 2025-01-18.

Conditions:
Methylmalonic acidemia with homocystinuria, type cblJ (MAHCJ). Also called: METHYLMALONIC ACIDURIA AND HOMOCYSTINURIA, cblJ TYPE. Identifiers: Orphanet 369955, MedGen C3553915, MONDO:0013925, OMIM 614857.

Submissions (2):

Labcorp Genetics (formerly Invitae), Labcorp
Classification: Uncertain significance for Methylmalonic acidemia with homocystinuria, type cblJ. Last evaluated: 2025-01-18. Review status: criteria provided, single submitter. Criteria: Invitae Variant Classification Sherloc (09022015). Collection method: clinical testing. Allele origin: germline.
Comment: This sequence change creates a premature translational stop signal (p.Glu556Glyfs*27) in the ABCD4 gene. While this is not anticipated to result in nonsense mediated decay, it is expected to disrupt the last 51 amino acid(s) of the ABCD4 protein. This variant is present in population databases (rs763777109, gnomAD 0.03%). This premature translational stop signal has been observed in individual(s) with cobalamin J disease (PMID: 28572511). Experimental studies and prediction algorithms are not available or were not evaluated, and the functional significance of this variant is currently unknown. In summary, the available evidence is currently insufficient to determine the role of this variant in disease. Therefore, it has been classified as a Variant of Uncertain Significance.

Baylor Genetics
Classification: Pathogenic for Methylmalonic acidemia with homocystinuria, type cblJ. Last evaluated: 2022-10-21. Review status: criteria provided, single submitter. Criteria: ACMG Guidelines, 2015. Collection method: clinical testing. Allele origin: unknown.

Literature cited by the submitters: PubMed 28572511 (cited by Labcorp Genetics (formerly Invitae), Labcorp).